The following is an entry in ClinVar:

NM_001330260.2(SCN8A):c.4419+1_4419+4del

Gene: SCN8A (sodium voltage-gated channel alpha subunit 8; plus strand). Cytogenetic location: 12q13.13.
Variant type: Deletion.
Coding change: c.4419+1_4419+4del on transcript NM_001330260.2 (MANE Select); the canonical splice donor site of the intron after coding-DNA position 4419 through 4 bases into the intron after coding-DNA position 4419, 4 bases deleted (ATAG; older notation c.4419+1_4419+4delATAG).
Molecular consequence: splice donor variant.
Genome position (GRCh38, 1-based): chr12:51,789,419-51,789,422, ATAG deleted; deleting any 4 consecutive bases within chr12:51,789,417-51,789,422 gives the same sequence; the c. name uses the placement nearest the transcript's 3' end. VCF-style (leftmost placement, unchanged base first): chr12-51789416-AAGAT-A. GRCh37 (hg19) VCF-style: chr12-52183200-AAGAT-A.
Other names: c.4419+1_4419+4del (NM_014191.4); c.4296+1_4296+4del (NM_001177984.3, NM_001369788.1).
Identifiers: ClinVar variation 3602909 (VCV003602909.1).
Genomic context (GRCh38, chr12:51,789,416, plus strand): 5'-TTCTTCACCCTGAACCTGTTCATTGGTGTCATCATTGATAACTTCAATCAACAAAAGAAA[AAGAT>A]AGGTCTCCTCCCCTCATTGCCAGTGGTTGGAAGTCAGCCCAGATAAGAGGCACCTTTGTC-3'

ClinVar aggregate classification (germline): Pathogenic (1 of 4 stars; one submission).

Submission:

GeneDx
Classification: Pathogenic. Last evaluated: 2024-08-05. Review status: criteria provided, single submitter. Criteria: GeneDx Variant Classification Process June 2021. Collection method: clinical testing. Allele origin: germline. Affected: yes.
Comment: Not observed at significant frequency in large population cohorts (gnomAD); In silico analysis supports a deleterious effect on splicing; Also known as g.52183202+1_+4del, Pro1428_Lys1473del (predicted); This variant is associated with the following publications: (PMID: 25568300, 30171078, 34431999)